The following is an entry in ClinVar:

ClinVar aggregate classification (germline): Uncertain significance (1 of 4 stars; one submission).

Conditions:
Familial Mediterranean fever (FMF). Also called: POLYSEROSITIS, FAMILIAL PAROXYSMAL; POLYSEROSITIS, RECURRENT; Periodic peritonitis; Benign paroxysmal peritonitis. Identifiers: Orphanet 342, MedGen C0031069, MONDO:0018088, OMIM 249100. Disease mechanism: gain of function.

Allele frequency attached by ClinVar (database versions not stated): gnomAD exomes 0.00001; gnomAD 0.00001; TOPMed below 0.00001.
gnomAD v4.1: 4 of 1,614,116 alleles (0.00025%); highest among the groups gnomAD compares: Non-Finnish European, 0.00034%; no homozygotes.

Submission:

Labcorp Genetics (formerly Invitae), Labcorp
Classification: Uncertain significance for Familial Mediterranean fever. Last evaluated: 2021-09-02. Review status: criteria provided, single submitter. Criteria: Invitae Variant Classification Sherloc (09022015). Collection method: clinical testing. Allele origin: germline.
Comment: This sequence change replaces glutamine with proline at codon 34 of the MEFV protein (p.Gln34Pro). The glutamine residue is weakly conserved and there is a moderate physicochemical difference between glutamine and proline. This variant is not present in population databases (ExAC no frequency). This variant has not been reported in the literature in individuals affected with MEFV-related conditions. Algorithms developed to predict the effect of missense changes on protein structure and function are either unavailable or do not agree on the potential impact of this missense change (SIFT: "Deleterious"; PolyPhen-2: "Benign"; Align-GVGD: "Class C0"). In summary, the available evidence is currently insufficient to determine the role of this variant in disease. Therefore, it has been classified as a Variant of Uncertain Significance.

NM_000243.3(MEFV):c.101A>C (p.Gln34Pro)

Gene: MEFV (MEFV innate immunity regulator, pyrin; minus strand). Cytogenetic location: 16p13.3.
Variant type: single nucleotide variant.
Coding change: c.101A>C on transcript NM_000243.3 (MANE Select); coding-DNA position 101, A replaced by C.
Protein change: p.Gln34Pro; replaces glutamine 34 with proline.
Molecular consequence: missense variant.
Genome position (GRCh38, 1-based): chr16:3,256,487, T>G on the plus strand (A>C on the coding strand, the complement: MEFV is on the minus strand). VCF-style: chr16-3256487-T-G. GRCh37 (hg19) VCF-style: chr16-3306487-T-G.
Other names: c.101A>C, p.Gln34Pro (NM_001198536.2); short protein forms Q34P.
Identifiers: ClinVar variation 968256 (VCV000968256.7), dbSNP rs1959117792, ClinGen allele CA394484735.
Genomic context (GRCh38, chr16:3,256,487, plus strand): 5'-GCCATCTTCACCGGCCTGGCTCTCTGGATCTGGCTCCGGGGGATCCTGGAGTGCTCCTTC[T>G]GCACACTGGTGTTCTGCAGCTTGAACTTGAACTTCTCGAAGTCATAGGGCACCAGCTCCT-3'
Protein context (NP_000234.1, residues 24-44): FKFKLQNTSV[Gln34Pro]KEHSRIPRSQ